The following is an entry in ClinVar:

NM_000098.3(CPT2):c.170T>C (p.Leu57Pro)

Gene: CPT2 (carnitine palmitoyltransferase 2; plus strand). Cytogenetic location: 1p32.3.
Variant type: single nucleotide variant.
Coding change: c.170T>C on transcript NM_000098.3 (MANE Select); coding-DNA position 170, T replaced by C.
Protein change: p.Leu57Pro; replaces leucine 57 with proline.
Molecular consequence: missense variant.
Genome position (GRCh38, 1-based): chr1:53,200,736, T>C. VCF-style: chr1-53200736-T-C. GRCh37 (hg19) VCF-style: chr1-53666408-T-C.
Other names: c.170T>C, p.Leu57Pro (NM_001330589.2); short protein forms L57P.
Identifiers: ClinVar variation 1502890 (VCV001502890.5), dbSNP rs2100259802, ClinGen allele CA340389061.
Genomic context (GRCh38, chr1:53,200,736, plus strand): 5'-TCCATATACTGTCAGCCTTACACTGACCCTGCTTTCTCCCCAGGCTGCCTATTCCCAAAC[T>C]TGAAGACACCATTAGGAGATACCTCAGTGCACAGAAGCCTCTCTTGAATGATGGCCAGTT-3'
Protein context (NP_000089.1, residues 47-67): DSLPRLPIPK[Leu57Pro]EDTIRRYLSA

ClinVar aggregate classification (germline): Uncertain significance (1 of 4 stars; one submission).

Conditions:
Carnitine palmitoyltransferase II deficiency. Also called: Carnitine Palmitoyltransferase 2 Deficiency. Identifiers: Orphanet 157, MedGen C0342790, MONDO:0015515.

Submission:

Labcorp Genetics (formerly Invitae), Labcorp
Classification: Uncertain significance for Carnitine palmitoyltransferase II deficiency. Last evaluated: 2022-03-18. Review status: criteria provided, single submitter. Criteria: Invitae Variant Classification Sherloc (09022015). Collection method: clinical testing. Allele origin: germline.
Comment: This sequence change replaces leucine, which is neutral and non-polar, with proline, which is neutral and non-polar, at codon 57 of the CPT2 protein (p.Leu57Pro). This variant is not present in population databases (gnomAD no frequency). This variant has not been reported in the literature in individuals affected with CPT2-related conditions. Advanced modeling of protein sequence and biophysical properties (such as structural, functional, and spatial information, amino acid conservation, physicochemical variation, residue mobility, and thermodynamic stability) performed at Invitae indicates that this missense variant is expected to disrupt CPT2 protein function. In summary, the available evidence is currently insufficient to determine the role of this variant in disease. Therefore, it has been classified as a Variant of Uncertain Significance.